The following is an entry in ClinVar:

ClinVar aggregate classification (germline): Uncertain significance. Review status: criteria provided, multiple submitters, no conflicts (2 of 4 stars). 2 submissions from 2 submitters: Uncertain significance (2). Last evaluated 2025-09-04.

Conditions:
Hereditary cancer-predisposing syndrome. Also called: Neoplastic Syndromes, Hereditary; Hereditary Cancer Syndrome; Tumor predisposition; Hereditary neoplastic syndrome. Identifiers: Orphanet 140162, MedGen C0027672, MeSH D009386, MONDO:0015356.
Ataxia-telangiectasia syndrome (AT). Also called: LOUIS-BAR SYNDROME; Cerebello-oculocutaneous telangiectasia; Immunodeficiency with ataxia telangiectasia; Ataxia-telangiectasia, complementation group D; AT, COMPLEMENTATION GROUP C; Ataxia-telangiectasia, complementation group E. Identifiers: Orphanet 100, MedGen C0004135, MONDO:0008840, OMIM 208900.

Allele frequency attached by ClinVar (database versions not stated): gnomAD exomes below 0.00001.
gnomAD v4.1: 2 of 1,614,192 alleles (0.00012%); highest among the groups gnomAD compares: Non-Finnish European, 0.00017%; no homozygotes.

Submissions (2):

Labcorp Genetics (formerly Invitae), Labcorp
Classification: Uncertain significance for Ataxia-telangiectasia syndrome. Last evaluated: 2025-09-04. Review status: criteria provided, single submitter. Criteria: Invitae Variant Classification Sherloc (09022015). Collection method: clinical testing. Allele origin: germline.
Comment: This sequence change replaces cysteine, which is neutral and slightly polar, with tyrosine, which is neutral and polar, at codon 2464 of the ATM protein (p.Cys2464Tyr). This variant is not present in population databases (gnomAD no frequency). This variant has not been reported in the literature in individuals affected with ATM-related conditions. ClinVar contains an entry for this variant (Variation ID: 482706). Invitae Evidence Modeling of protein sequence and biophysical properties (such as structural, functional, and spatial information, amino acid conservation, physicochemical variation, residue mobility, and thermodynamic stability) indicates that this missense variant is not expected to disrupt ATM protein function with a negative predictive value of 95%. In summary, the available evidence is currently insufficient to determine the role of this variant in disease. Therefore, it has been classified as a Variant of Uncertain Significance.

Ambry Genetics
Classification: Uncertain significance for Hereditary cancer-predisposing syndrome. Last evaluated: 2017-03-29. Review status: criteria provided, single submitter. Criteria: Ambry Variant Classification Scheme 2023. Collection method: clinical testing. Allele origin: germline.
Comment: The p.C2464Y variant (also known as c.7391G>A), located in coding exon 49 of the ATM gene, results from a G to A substitution at nucleotide position 7391. The cysteine at codon 2464 is replaced by tyrosine, an amino acid with highly dissimilar properties. This amino acid position is well conserved in available vertebrate species. In addition, the in silico prediction for this alteration is inconclusive. Since supporting evidence is limited at this time, the clinical significance of this alteration remains unclear.

NM_000051.4(ATM):c.7391G>A (p.Cys2464Tyr)

Genes: ATM (ATM serine/threonine kinase; plus strand), C11orf65 (chromosome 11 open reading frame 65; minus strand). Cytogenetic location: 11q22.3.
Variant type: single nucleotide variant.
Coding change: c.7391G>A on transcript NM_000051.4 (MANE Select); coding-DNA position 7391, G replaced by A.
Protein change: p.Cys2464Tyr; replaces cysteine 2464 with tyrosine.
Molecular consequence: missense variant. On other transcripts: intron variant (2).
Genome position (GRCh38, 1-based): chr11:108,330,297, G>A. VCF-style: chr11-108330297-G-A. GRCh37 (hg19) VCF-style: chr11-108201024-G-A.
Other names: c.7391G>A, p.Cys2464Tyr (NM_001351834.2); c.641-21226C>T (NM_001330368.2); c.*38+4923C>T (NM_001351110.2); short protein forms C2464Y.
Identifiers: ClinVar variation 482706 (VCV000482706.13), dbSNP rs1555123119, ClinGen allele CA382560061.